The following is an entry in ClinVar:

ClinVar aggregate classification (germline): Benign/Likely benign. Review status: criteria provided, multiple submitters, no conflicts (2 of 4 stars). 2 submissions from 2 submitters: Benign (1); Likely benign (1). Last evaluated 2024-11-01.

Conditions:
Multiple endocrine neoplasia, type 1 (MEN1). Also called: MEA I; MEN I; WERMER SYNDROME; Endocrine adenomatosis multiple; MEN 1. Identifiers: Orphanet 652, MedGen C0025267, MeSH D018761, MONDO:0007540, OMIM 131100.
Hereditary cancer-predisposing syndrome. Also called: Neoplastic Syndromes, Hereditary; Tumor predisposition; Hereditary Cancer Syndrome; Hereditary neoplastic syndrome. Identifiers: Orphanet 140162, MedGen C0027672, MeSH D009386, MONDO:0015356.

Submissions (2):

Myriad Genetics, Inc.
Classification: Benign for Multiple endocrine neoplasia, type 1. Last evaluated: 2024-11-01. Review status: criteria provided, single submitter. Criteria: Myriad Autosomal Dominant, Autosomal Recessive and X-Linked Classification Criteria (2023). Collection method: clinical testing. Allele origin: unknown.
Comment: This variant is considered benign. This variant is a silent/synonymous amino acid change and it is not expected to impact splicing.

Ambry Genetics
Classification: Likely benign for Hereditary cancer-predisposing syndrome. Last evaluated: 2021-06-15. Review status: criteria provided, single submitter. Criteria: Ambry Variant Classification Scheme 2023. Collection method: clinical testing. Allele origin: germline.

NM_001370259.2(MEN1):c.495C>T (p.Cys165=)

Gene: MEN1 (menin 1; minus strand). Cytogenetic location: 11q13.1.
Variant type: single nucleotide variant.
Coding change: c.495C>T on transcript NM_001370259.2 (MANE Select); coding-DNA position 495, C replaced by T.
Protein change: p.Cys165=; no amino-acid change (cysteine 165 retained).
Molecular consequence: synonymous variant. On other transcripts: non-coding transcript variant (4).
Genome position (GRCh38, 1-based): chr11:64,808,050, G>A on the plus strand (C>T on the coding strand, the complement: MEN1 is on the minus strand). VCF-style: chr11-64808050-G-A. GRCh37 (hg19) VCF-style: chr11-64575522-G-A.
Other names: c.510C>T, p.Cys170= (NM_000244.4, NM_001407145.1, NM_001407150.1 and 5 more transcripts); c.495C>T, p.Cys165= (NM_001370251.2, NM_001370260.2, NM_001370261.2 and 12 more transcripts).
Identifiers: ClinVar variation 1744387 (VCV001744387.3), dbSNP rs1592651767, ClinGen allele CA475163123.